The following is an entry in ClinVar:

Conditions:
Breast-ovarian cancer, familial, susceptibility to, 1 (BROVCA1). Also called: BRCA1 Hereditary Breast and Ovarian Cancer; OVARIAN CANCER, SUSCEPTIBILITY TO. Identifiers: Orphanet 145, MedGen C2676676, MONDO:0011450, OMIM 604370. Disease mechanism: loss of function.

Submission:

Brotman Baty Institute, University of Washington
No classification provided (evidence only). Condition: Breast-ovarian cancer, familial 1. Review status: no classification provided. Collection method: in vitro. Allele origin: not applicable. Functional consequence: functionally_normal.
ClinVar note: "not provided" was previously submitted as the classification for the variant. However, the classification appeared to be based only on an observation of functional data so it was converted to no classification on 2025-07-30.

NM_007294.4(BRCA1):c.212+10T>C

Gene: BRCA1 (BRCA1 DNA repair associated; minus strand). Cytogenetic location: 17q21.31.
Variant type: single nucleotide variant.
Coding change: c.212+10T>C on transcript NM_007294.4 (MANE Select); 10 bases into the intron after coding-DNA position 212, T replaced by C.
Molecular consequence: intron variant.
Genome position (GRCh38, 1-based): chr17:43,106,446, A>G on the plus strand (T>C on the coding strand, the complement: BRCA1 is on the minus strand). VCF-style: chr17-43106446-A-G. GRCh37 (hg19) VCF-style: chr17-41258463-A-G.
Other names: c.212+10T>C (NM_001408442.1, NM_001408426.1, NM_001407982.1 and 167 more transcripts); c.71+10T>C (NM_001408458.1, NM_001407931.1, NM_001407747.1 and 99 more transcripts); c.-218-11586T>C (NM_001407967.1, NM_001407966.1); c.-169-1490T>C (NM_001407959.1, NM_001407962.1, NM_001408512.1 and 4 more transcripts); c.2+32T>C (NM_001407885.1, NM_001407886.1, NM_001407898.1 and 58 more transcripts); c.81-1490T>C (NM_001408451.1); c.135-1490T>C (NM_001408475.1, NM_001407875.1, NM_001407659.1 and 21 more transcripts).
Identifiers: ClinVar variation 142693 (VCV000142693.4), dbSNP rs80358174, ClinGen allele CA001401.